The following is an entry in ClinVar:

GRCh38/hg38 17p12(chr17:14196248-15579519)x1

Genes: CDRT15 (CMT1A duplicated region transcript 15; minus strand), CDRT3 (CMT1A duplicated region transcript 3; minus strand), CDRT4 (CMT1A duplicated region transcript 4; minus strand), CDRT7 (CMT1A duplicated region transcript 7; plus strand), CDRT8 (CMT1A duplicated region transcript 8; minus strand) and 23 more. Cytogenetic location: 17p12.
Variant type: copy number loss.
Change: copy number 1 (one copy instead of two) of chr17:14,196,248-15,579,519 (1.38 Mb, GRCh38 coordinates, 1-based), cytogenetic band 17p12.
Identifiers: ClinVar variation 4796130 (VCV004796130.1).

ClinVar aggregate classification (germline): Pathogenic (1 of 4 stars; one submission).

Submission:

Medical Genetic Center, Changzhi Maternal and Child Health Care Hospital
Classification: Pathogenic. Last evaluated: 2025-12-10. Review status: criteria provided, single submitter. Criteria: ACMG/ClinGen CNV Guidelines, 2019. Collection method: clinical testing. Allele origin: unknown.
Comment: 2A:17p12 recurrent (HNPP/CMT1A) region (includes PMP22)